The following is an entry in ClinVar:

NM_001365951.3(KIF1B):c.4970C>T (p.Ala1657Val)

Gene: KIF1B (kinesin family member 1B; plus strand). Cytogenetic location: 1p36.22.
Variant type: single nucleotide variant.
Coding change: c.4970C>T on transcript NM_001365951.3 (MANE Select); coding-DNA position 4970, C replaced by T.
Protein change: p.Ala1657Val; replaces alanine 1657 with valine.
Molecular consequence: missense variant.
Genome position (GRCh38, 1-based): chr1:10,374,339, C>T. VCF-style: chr1-10374339-C-T. GRCh37 (hg19) VCF-style: chr1-10434397-C-T.
Other names: c.4970C>T, p.Ala1657Val (NM_001365952.1); c.4832C>T, p.Ala1611Val (NM_015074.3); short protein forms A1611V, A1657V.
Identifiers: ClinVar variation 1007653 (VCV001007653.14), dbSNP rs758879647, ClinGen allele CA582239.
Genomic context (GRCh38, chr1:10,374,339, plus strand): 5'-TTGTTACCCTTTTCTTTCTAATCTCTCTATTTTAAAGGACCCCAGAAGCCAATTCCCGGG[C>T]CTCTAGTCCCTGCCCAGAATTTGAACAGTTTCAGATTGTCCCAGCTGTGGAAACACCATA-3'
Protein context (NP_001352880.1, residues 1647-1667): DQKTPEANSR[Ala1657Val]SSPCPEFEQF

ClinVar aggregate classification (germline): Conflicting classifications of pathogenicity. Review status: criteria provided, conflicting classifications (1 of 4 stars). 4 submissions from 4 submitters: Uncertain significance (3); Likely benign (1). Last evaluated 2026-02-06.

Conditions:
Charcot-Marie-Tooth disease type 2A1. Also called: HEREDITARY MOTOR AND SENSORY NEUROPATHY IIA1; CHARCOT-MARIE-TOOTH DISEASE, AXONAL, TYPE 2A1; CHARCOT-MARIE-TOOTH DISEASE, AXONAL, AUTOSOMAL DOMINANT, TYPE 2A1; CHARCOT-MARIE-TOOTH DISEASE, NEURONAL, TYPE 2A1; CHARCOT-MARIE-TOOTH NEUROPATHY, TYPE 2A1. Identifiers: Orphanet 99946, MedGen C1861678, MONDO:0007308, OMIM 118210.
Neuroblastoma, susceptibility to, 1. Identifiers: MedGen C2749485, MONDO:0009741, OMIM 256700.
Charcot-Marie-Tooth disease type 2. Also called: Charcot-Marie-Tooth type 2. Identifiers: Orphanet 64746, MedGen C0270914, MONDO:0018993.

Allele frequency attached by ClinVar (database versions not stated): TOPMed 0.00001; gnomAD 0.00001; ExAC 0.00002.
gnomAD v4.1: 5 of 1,613,992 alleles (0.00031%); highest among the groups gnomAD compares: East Asian, 0.0067%; no homozygotes.

Submissions (4):

Dasa
Classification: Uncertain significance. Last evaluated: 2026-02-06. Review status: criteria provided, single submitter. Criteria: DASA Assertion Criteria. Collection method: clinical testing. Allele origin: germline.
Comment: NM_001365951.3(KIF1B):c.4970C>T (p.Ala1657Val) is a missense variant that results in the substitution of alanine with valine. This variant is rare in population databases. Computational prediction algorithms are consistent with a benign effect. The currently available literature and clinical evidence are not sufficient to establish a definitive association between this variant and the reported condition. Therefore, this variant is classified as a variant of uncertain significance.

Labcorp Genetics (formerly Invitae), Labcorp
Classification: Uncertain significance for Charcot-Marie-Tooth disease type 2. Last evaluated: 2025-02-06. Review status: criteria provided, single submitter. Criteria: Invitae Variant Classification Sherloc (09022015). Collection method: clinical testing. Allele origin: germline.
Comment: This sequence change replaces alanine, which is neutral and non-polar, with valine, which is neutral and non-polar, at codon 1611 of the KIF1B protein (p.Ala1611Val). This variant is present in population databases (rs758879647, gnomAD 0.02%). This variant has not been reported in the literature in individuals affected with KIF1B-related conditions. ClinVar contains an entry for this variant (Variation ID: 1007653). An algorithm developed to predict the effect of missense changes on protein structure and function (PolyPhen-2) suggests that this variant is likely to be tolerated. In summary, the available evidence is currently insufficient to determine the role of this variant in disease. Therefore, it has been classified as a Variant of Uncertain Significance.

Fulgent Genetics
Classification: Uncertain significance for Charcot-Marie-Tooth disease type 2A1; Neuroblastoma, susceptibility to, 1. Last evaluated: 2024-06-18. Review status: criteria provided, single submitter. Criteria: ACMG Guidelines, 2015. Collection method: clinical testing. Allele origin: germline.

Ambry Genetics
Classification: Likely benign. Last evaluated: 2022-04-21. Review status: criteria provided, single submitter. Criteria: Ambry Variant Classification Scheme 2023. Collection method: clinical testing. Allele origin: germline.